The following is an entry in ClinVar:

ClinVar aggregate classification (germline): Uncertain significance. Review status: criteria provided, multiple submitters, no conflicts (2 of 4 stars). 2 submissions from 2 submitters: Uncertain significance (2). Last evaluated 2021-08-31.

Conditions:
Creatine transporter deficiency (CCDS1). Also called: Creatine Transporter (CRTR) Deficiency; Mental retardation , X-linked with seizures, short stature and midface hypoplasia; Mental retardation , X-linked, with creatine transport deficiency; X-linked creatine transporter deficiency; X-linked creatine deficiency syndrome; SLC6A8-Related Creatine Transporter Deficiency. Identifiers: Orphanet 52503, MedGen C1845862, MONDO:0010305, OMIM 300352.

Submissions (2):

Labcorp Genetics (formerly Invitae), Labcorp
Classification: Uncertain significance for Creatine transporter deficiency. Last evaluated: 2021-08-31. Review status: criteria provided, single submitter. Criteria: Invitae Variant Classification Sherloc (09022015). Collection method: clinical testing. Allele origin: germline.
Comment: This variant, c.1646_1648del, results in the deletion of 1 amino acid(s) of the SLC6A8 protein (p.Asn549del), but otherwise preserves the integrity of the reading frame. The frequency data for this variant in the population databases is considered unreliable, as metrics indicate poor data quality at this position in the ExAC database. This variant has not been reported in the literature in individuals affected with SLC6A8-related conditions. ClinVar contains an entry for this variant (Variation ID: 421164). Experimental studies and prediction algorithms are not available or were not evaluated, and the functional significance of this variant is currently unknown. In summary, the available evidence is currently insufficient to determine the role of this variant in disease. Therefore, it has been classified as a Variant of Uncertain Significance.

GeneDx
Classification: Uncertain significance. Last evaluated: 2016-11-21. Review status: criteria provided, single submitter. Criteria: GeneDx Variant Classification (06012015). Collection method: clinical testing. Allele origin: germline. Affected: yes.
Comment: The c.1646_1648delACA variant has not been published as a pathogenic variant, nor has it beenreported as a benign variant to our knowledge. The c.1646_1648delACA variant results in an in-framedeletion of a single Asparagine residue, denoted p.N549del. Reliable data is not available in the ExAC dataset or the NHLBI Exome Sequencing Projectto assess the frequency of this variant (Lek et al., 2016; 1000 Genomes Consortium et al., 2015;Exome Variant Server). The residue removed by this deletion is not conserved; however, in silicoanalysis predicts this variant is probably damaging to the protein structure/function. We interpretc.1646_1648delACA as a variant of uncertain significance.

NM_005629.4(SLC6A8):c.1640ACA[2] (p.Asn549del)

Gene: SLC6A8 (solute carrier family 6 member 8; plus strand). Cytogenetic location: Xq28.
Variant type: Microsatellite.
Coding change: c.1640ACA[2] on transcript NM_005629.4 (MANE Select); two copies in a row of the 3-base unit ACA starting at c.1640; the reference has three copies in a row; one copy, 3 bases deleted.
Protein change: p.Asn549del; deletes asparagine 549.
Molecular consequence: inframe deletion.
Genome position (GRCh38, 1-based): chrX:153,694,768-153,694,770, ACA deleted; deleting any 3 consecutive bases within chrX:153,694,762-153,694,770 gives the same sequence; the position shown is the placement nearest the transcript's 3' end. VCF-style (leftmost placement, unchanged base first): chrX-153694761-TACA-T. GRCh37 (hg19) VCF-style: chrX-152960216-TACA-T.
Other names: c.1610ACA[2], p.Asn539del (NM_001142805.2); c.1295ACA[2], p.Asn434del (NM_001142806.1); short protein forms N549del, N539del, N434del.
Identifiers: ClinVar variation 421164 (VCV000421164.7), dbSNP rs781807874, ClinGen allele CA10549608.